The following is an entry in ClinVar:

GRCh37/hg19 1q21.2(chr1:149895368-150130518)x1

Genes: MTMR11 (myotubularin related protein 11; minus strand), OTUD7B (OTU deubiquitinase 7B; minus strand), PLEKHO1 (pleckstrin homology domain containing O1; plus strand), SF3B4 (splicing factor 3b subunit 4; minus strand), VPS45 (vacuolar protein sorting 45 homolog; plus strand). Cytogenetic location: 1q21.2.
Variant type: copy number loss.
Change: copy number 1 (one copy instead of two) of chr1:149,895,368-150,130,518 (235.2 kb, GRCh37 coordinates, 1-based), cytogenetic band 1q21.2.
Identifiers: ClinVar variation 393786 (VCV000393786.4).

ClinVar aggregate classification (germline): Pathogenic (0 of 4 stars; one submission).

Submission:

ISCA Site 6
Classification: Pathogenic. Last evaluated: 2017-09-18. Review status: no assertion criteria provided. Collection method: clinical testing. Allele origin: unknown. Affected: yes. Observed: 1 variant allele.
Comment: 1). This region involves 5 genes (including almost entire SF3B4 except a portion of 3'UTR, a portion of PLEKHO1, and entire MTMR11, OTUD7B, VPS45). 1 AD gene, 1 AR gene. 2). SF3B4 is associated with AD Acrofacial dysostosis 1, Nager type (154400). ClinGen Haploinsufficiency Score= 3. 3). VPS45A a/w AR severe congenital neutropenia 5 (615285). So far only 3 missense variants in HGMD. This gene is also pending review in ClinGen 4). 5). We have not seen similar deletion recently

Copy number variation identified through the course of routine clinical cytogenomic testing in postnatal populations, with clinical assertions as classified by the original submitter. For data from the original published study, Kaminsky, et al. 2011 (PubMed 21844811), please see nstd101.